The following is an entry in ClinVar:

ClinVar aggregate classification (germline): Uncertain significance. Review status: criteria provided, multiple submitters, no conflicts (2 of 4 stars). 2 submissions from 2 submitters: Uncertain significance (2). Last evaluated 2025-10-15.

Conditions:
Inborn genetic diseases. Identifiers: MedGen C0950123, MeSH D030342.
Glycogen storage disease type III (GSD3). Also called: Cori disease; FORBES DISEASE. Identifiers: Orphanet 366, MedGen C0017922, MONDO:0009291, OMIM 232400.

Allele frequency attached by ClinVar (database versions not stated): gnomAD exomes below 0.00001; TOPMed 0.00001.
gnomAD v4.1: 2 of 1,613,082 alleles (0.00012%); highest among the groups gnomAD compares: Admixed American, 0.0033%; no homozygotes.

Submissions (2):

Ambry Genetics
Classification: Uncertain significance for Inborn genetic diseases. Last evaluated: 2025-10-15. Review status: criteria provided, single submitter. Criteria: Ambry Variant Classification Scheme 2023. Collection method: clinical testing. Allele origin: germline.

Labcorp Genetics (formerly Invitae), Labcorp
Classification: Uncertain significance for Glycogen storage disease type III. Last evaluated: 2022-06-04. Review status: criteria provided, single submitter. Criteria: Invitae Variant Classification Sherloc (09022015). Collection method: clinical testing. Allele origin: germline.
Comment: This variant is present in population databases (no rsID available, gnomAD 0.006%). In summary, the available evidence is currently insufficient to determine the role of this variant in disease. Therefore, it has been classified as a Variant of Uncertain Significance. Algorithms developed to predict the effect of missense changes on protein structure and function (SIFT, PolyPhen-2, Align-GVGD) all suggest that this variant is likely to be tolerated. This variant has not been reported in the literature in individuals affected with AGL-related conditions. This sequence change replaces serine, which is neutral and polar, with leucine, which is neutral and non-polar, at codon 795 of the AGL protein (p.Ser795Leu).

NM_000642.3(AGL):c.2384C>T (p.Ser795Leu)

Gene: AGL (amylo-alpha-1,6-glucosidase and 4-alpha-glucanotransferase; plus strand). Cytogenetic location: 1p21.2.
Variant type: single nucleotide variant.
Coding change: c.2384C>T on transcript NM_000642.3 (MANE Select); coding-DNA position 2384, C replaced by T.
Protein change: p.Ser795Leu; replaces serine 795 with leucine.
Molecular consequence: missense variant.
Genome position (GRCh38, 1-based): chr1:99,884,195, C>T. VCF-style: chr1-99884195-C-T. GRCh37 (hg19) VCF-style: chr1-100349751-C-T.
Other names: c.2180C>T, p.Ser727Leu (NM_001425329.1, NM_001425328.1); c.2006C>T, p.Ser669Leu (NM_001425332.1); c.2384C>T, p.Ser795Leu (NM_000028.3, NM_000643.3, NM_000644.3 and 2 more transcripts); c.2336C>T, p.Ser779Leu (NM_000646.3); c.2183C>T, p.Ser728Leu (NM_001425327.1); c.2384C>T (NM_000642.2); short protein forms S779L, S795L, S669L, S727L, S728L.
Identifiers: ClinVar variation 1988333 (VCV001988333.3), dbSNP rs1206517501, ClinGen allele CA341320822.